The following is an entry in ClinVar:

NM_000782.5(CYP24A1):c.110A>T (p.Gln37Leu)

Gene: CYP24A1 (cytochrome P450 family 24 subfamily A member 1; minus strand). Cytogenetic location: 20q13.2.
Variant type: single nucleotide variant.
Coding change: c.110A>T on transcript NM_000782.5 (MANE Select); coding-DNA position 110, A replaced by T.
Protein change: p.Gln37Leu; replaces glutamine 37 with leucine.
Molecular consequence: missense variant.
Genome position (GRCh38, 1-based): chr20:54,173,470, T>A on the plus strand (A>T on the coding strand, the complement: CYP24A1 is on the minus strand). VCF-style: chr20-54173470-T-A. GRCh37 (hg19) VCF-style: chr20-52790009-T-A.
Other names: c.110A>T, p.Gln37Leu (NM_001128915.2, NM_001424340.1, NM_001424341.1 and 2 more transcripts); short protein forms Q37L.
Identifiers: ClinVar variation 4526856 (VCV004526856.1).
Genomic context (GRCh38, chr20:54,173,470, plus strand): 5'-GCGGCCGCGTTCTGAGTCTCGCCACCAGCTGTCAGCGGGCAGACTGGCACCTCTCGCGGC[T>A]GAGGGGACGTGTACGCCGTAGATGTCACCAGTCTCGGGGGCTGCCTCGGACTGCGCAGCT-3'
Protein context (NP_000773.2, residues 27-47): LVTSTAYTSP[Gln37Leu]PREVPVCPLT

ClinVar aggregate classification (germline): Uncertain significance (1 of 4 stars; one submission).

Conditions:
Hypercalcemia, infantile, 1 (HCINF1). Identifiers: Orphanet 300547, MedGen CN031131, MONDO:0020739, OMIM 143880.

gnomAD v4.1: 26 of 1,565,742 alleles (0.0017%); highest among the groups gnomAD compares: Non-Finnish European, 0.0019%; no homozygotes.

Submission:

Rare Kidney Stone Consortium and the Mayo Clinic Hyperoxaluria Center, Mayo Clinic
Classification: Uncertain significance for Hypercalcemia, infantile, 1. Last evaluated: 2025-10-03. Review status: criteria provided, single submitter. Criteria: ACMG Guidelines, 2015. Collection method: research. Allele origin: germline. Observed: 1 variant allele.
Comment: ACMG:PM1, PM2, BP4

Literature cited by the submitters: PubMed 40794449.